The following is an entry in ClinVar:

ClinVar aggregate classification (germline): Benign. Review status: criteria provided, multiple submitters, no conflicts (2 of 4 stars). 10 submissions from 10 submitters: Benign (7). 3 of the submissions do not count toward it. Last evaluated 2026-02-04.

Conditions:
Meier-Gorlin syndrome 4 (MGORS4). Identifiers: Orphanet 2554, MedGen C3151120, MONDO:0013431, OMIM 613804.

Allele frequency attached by ClinVar (database versions not stated): gnomAD exomes 0.99913 and 0.99945; ExAC 0.99934; gnomAD 0.99944 and 0.99945; TOPMed 0.99944; ESP Exome Variant Server 0.99954; 1000 Genomes Project 0.99980; 1000 Genomes Project 30x 0.99984.
gnomAD v4.1: 1,611,727 of 1,613,060 alleles (100%); highest among the groups gnomAD compares: Middle Eastern, 100%; 805,199 homozygotes.

Submissions (10):

Labcorp Genetics (formerly Invitae), Labcorp
Classification: Benign. Last evaluated: 2026-02-04. Review status: criteria provided, single submitter. Criteria: Invitae Variant Classification Sherloc (09022015). Collection method: clinical testing. Allele origin: germline.

Blueprint Genetics
Classification: Benign. Last evaluated: 2024-11-27. Review status: criteria provided, single submitter. Criteria: ACMG Guidelines, 2015. Collection method: clinical testing. Allele origin: germline.

Genome-Nilou Lab
Classification: Benign for Meier-Gorlin syndrome 4. Last evaluated: 2021-07-22. Review status: criteria provided, single submitter. Criteria: ACMG Guidelines, 2015. Collection method: clinical testing. Allele origin: germline. Affected: no.

Mendelics
Classification: Benign for Meier-Gorlin syndrome 4. Last evaluated: 2019-05-28. Review status: criteria provided, single submitter. Criteria: Mendelics Assertion Criteria 2017. Collection method: clinical testing. Allele origin: unknown.

GeneDx
Classification: Benign. Last evaluated: 2018-07-05. Review status: criteria provided, single submitter. Criteria: GeneDx Variant Classification Process June 2021. Collection method: clinical testing. Allele origin: germline. Affected: yes.

Breakthrough Genomics
Classification: Benign. Review status: criteria provided, single submitter. Criteria: ACMG Guidelines, 2015. Collection method: not provided. Allele origin: germline. Inheritance: Autosomal recessive inheritance. Affected: yes.

PreventionGenetics, part of Exact Sciences
Classification: Benign. Review status: criteria provided, single submitter. Criteria: ACMG Guidelines, 2015. Collection method: clinical testing. Allele origin: germline.

Diagnostic Laboratory, Department of Genetics, University Medical Center Groningen
Classification: Benign for Meier-Gorlin syndrome 4. Review status: no assertion criteria provided. Collection method: clinical testing. Allele origin: germline. Affected: yes. Study: VKGL Data-share Consensus. Not counted in ClinVar's aggregate classification.

Genetic Services Laboratory, University of Chicago
Classification: Likely benign for AllHighlyPenetrant. Review status: no assertion criteria provided. Collection method: clinical testing. Allele origin: germline. Inheritance: Autosomal recessive inheritance. Not counted in ClinVar's aggregate classification.
Comment: Likely benign based on allele frequency in 1000 Genomes Project or ESP global frequency and its presence in a patient with a rare or unrelated disease phenotype. NOT Sanger confirmed.

Joint Genome Diagnostic Labs from Nijmegen and Maastricht, Radboudumc and MUMC+
Classification: Benign. Review status: no assertion criteria provided. Collection method: clinical testing. Allele origin: germline. Affected: yes. Study: VKGL Data-share Consensus. Not counted in ClinVar's aggregate classification.

NM_030928.4(CDT1):c.700T>C (p.Cys234Arg)

Gene: CDT1 (chromatin licensing and DNA replication factor 1; plus strand). Cytogenetic location: 16q24.3.
Variant type: single nucleotide variant.
Coding change: c.700T>C on transcript NM_030928.4 (MANE Select); coding-DNA position 700, T replaced by C.
Protein change: p.Cys234Arg; replaces cysteine 234 with arginine.
Molecular consequence: missense variant.
Genome position (GRCh38, 1-based): chr16:88,805,737, T>C. VCF-style: chr16-88805737-T-C. GRCh37 (hg19) VCF-style: chr16-88872145-T-C.
Other names: short protein forms C234R.
Identifiers: ClinVar variation 128680 (VCV000128680.24), dbSNP rs507329, ClinGen allele CA152278.